The following is an entry in ClinVar:

NM_012464.5(TLL1):c.2665G>A (p.Gly889Arg)

Gene: TLL1 (tolloid like 1; plus strand). Cytogenetic location: 4q32.3.
Variant type: single nucleotide variant.
Coding change: c.2665G>A on transcript NM_012464.5 (MANE Select); coding-DNA position 2665, G replaced by A.
Protein change: p.Gly889Arg; replaces glycine 889 with arginine.
Molecular consequence: missense variant.
Genome position (GRCh38, 1-based): chr4:166,099,285, G>A. VCF-style: chr4-166099285-G-A. GRCh37 (hg19) VCF-style: chr4-167020437-G-A.
Other names: short protein forms G889R.
Identifiers: ClinVar variation 5018895 (VCV005018895.2).
Genomic context (GRCh38, chr4:166,099,285, plus strand): 5'-GACCCGTTAAAGCTCATTGACCTTACTCATCTTATTTTTCTTTCCTGGGCAGAGTGTGGC[G>A]GACGATTGAAAGCAGAATCAAAACCAAGAGATCTGTACTCACATGCTCAGTTTGGTGATA-3'
Protein context (NP_036596.3, residues 879-899): FQATHSTECG[Gly889Arg]RLKAESKPRD

ClinVar aggregate classification (germline): Uncertain significance (1 of 4 stars; one submission).

Conditions:
Atrial septal defect 6 (ASD6). Identifiers: Orphanet 1478, MedGen C2751315, MONDO:0013123, OMIM 613087.

gnomAD v4.1: 55 of 1,613,452 alleles (0.0034%); highest among the groups gnomAD compares: Admixed American, 0.022%; no homozygotes.

Submission:

Juno Genomics, Hangzhou Juno Genomics, Inc
Classification: Uncertain significance for Atrial septal defect 6. Review status: criteria provided, single submitter. Criteria: ACMG Guidelines, 2015. Collection method: clinical testing. Allele origin: germline.
Comment: Absent from controls (or at extremely low frequency if recessive) in Genome Aggregation Database.